The following is an entry in ClinVar:

NM_015205.3(ATP11A):c.1883T>G (p.Leu628Arg)

Gene: ATP11A (ATPase phospholipid transporting 11A; plus strand). Cytogenetic location: 13q34.
Variant type: single nucleotide variant.
Coding change: c.1883T>G on transcript NM_015205.3 (MANE Select); coding-DNA position 1883, T replaced by G.
Protein change: p.Leu628Arg; replaces leucine 628 with arginine.
Molecular consequence: missense variant.
Genome position (GRCh38, 1-based): chr13:112,851,110, T>G. VCF-style: chr13-112851110-T-G. GRCh37 (hg19) VCF-style: chr13-113505424-T-G.
Other names: NM_032189.4:c.1883T>G; c.1883T>G, p.Leu628Arg (NM_001405661.1, NM_001405662.1, NM_001405663.1 and 1 more transcripts); short protein forms L628R.
Identifiers: ClinVar variation 4819470 (VCV004819470.1).

ClinVar aggregate classification (germline): Uncertain significance (1 of 4 stars; one submission).

Conditions:
Neurodevelopmental disorder. Identifiers: MedGen C1535926, MeSH D065886, MONDO:0700092.

Submission:

Broad Center for Mendelian Genomics, Broad Institute of MIT and Harvard
Classification: Uncertain significance for Neurodevelopmental disorder. Last evaluated: 2026-03-02. Review status: criteria provided, single submitter. Criteria: ACMG Guidelines, 2015. Collection method: research. Allele origin: germline. Inheritance: Autosomal dominant inheritance.
Comment: The p.Leu628Arg variant in ATP11A has not been previously reported in the literature in individuals with neurodevelopmental disorders, and was absent from large population studies. Computational prediction tools and conservation analyses suggest that this variant may impact the protein, though this information is not predictive enough to determine an impact. While variants in the ATP11A gene have been reported in individuals with neurodevelopmental disorders, this association has not been definitively established. In summary, given the limited information about this gene-disease relationship, the significance of the p.Leu628Arg variant is uncertain.